The following is an entry in ClinVar:

ClinVar aggregate classification (germline): Conflicting classifications of pathogenicity. Review status: criteria provided, conflicting classifications (1 of 4 stars). 3 submissions from 3 submitters: Uncertain significance (1); Likely benign (2). Last evaluated 2025-10-16.

Conditions:
Weill-Marchesani 4 syndrome, recessive. Also called: Weill-Marchesani syndrome 4. Identifiers: Orphanet 363992, MedGen C2750787, MONDO:0013176, OMIM 613195.

Allele frequency attached by ClinVar (database versions not stated): ExAC 0.00003; gnomAD exomes 0.00003 and 0.00006; gnomAD 0.00004 and 0.00005; TOPMed 0.00005; ESP Exome Variant Server 0.00023.
gnomAD v4.1: 107 of 1,614,024 alleles (0.0066%); highest among the groups gnomAD compares: Non-Finnish European, 0.0081%; no homozygotes.

Submissions (3):

Mayo Clinic Laboratories, Mayo Clinic
Classification: Likely benign. Last evaluated: 2025-10-16. Review status: criteria provided, single submitter. Criteria: ACMG Guidelines, 2015. Collection method: clinical testing. Allele origin: germline. Observed: 1 variant allele.
Comment: BP4, BP7

Labcorp Genetics (formerly Invitae), Labcorp
Classification: Likely benign. Last evaluated: 2025-03-05. Review status: criteria provided, single submitter. Criteria: Invitae Variant Classification Sherloc (09022015). Collection method: clinical testing. Allele origin: germline.

Illumina Laboratory Services, Illumina
Classification: Uncertain significance for Weill-Marchesani 4 syndrome, recessive. Last evaluated: 2018-01-13. Review status: criteria provided, single submitter. Criteria: ICSL Variant Classification Criteria 13 December 2019. Collection method: clinical testing. Allele origin: germline.

NM_139057.4(ADAMTS17):c.2040C>T (p.Ile680=)

Gene: ADAMTS17 (ADAM metallopeptidase with thrombospondin type 1 motif 17; minus strand). Cytogenetic location: 15q26.3.
Variant type: single nucleotide variant.
Coding change: c.2040C>T on transcript NM_139057.4 (MANE Select); coding-DNA position 2040, C replaced by T.
Protein change: p.Ile680=; no amino-acid change (isoleucine 680 retained).
Molecular consequence: synonymous variant.
Genome position (GRCh38, 1-based): chr15:100,096,453, G>A on the plus strand (C>T on the coding strand, the complement: ADAMTS17 is on the minus strand). VCF-style: chr15-100096453-G-A. GRCh37 (hg19) VCF-style: chr15-100636658-G-A.
Other names: p.Ile680=.
Identifiers: ClinVar variation 315273 (VCV000315273.9), dbSNP rs150431950, ClinGen allele CA7757913.